The following is an entry in ClinVar:

ClinVar aggregate classification (germline): Pathogenic/Likely pathogenic. Review status: criteria provided, multiple submitters, no conflicts (2 of 4 stars). 11 submissions from 11 submitters: Pathogenic (7); Likely pathogenic (1). 3 of the submissions do not count toward it. Last evaluated 2026-06-25.

Conditions:
SLC2A10-related disorder. Also called: SLC2A10-related condition.
Familial aortopathy. Identifiers: MedGen CN078214.
Arterial tortuosity syndrome (ATORS). Identifiers: Orphanet 3342, MedGen C1859726, MONDO:0008818, OMIM 208050.

Allele frequency attached by ClinVar (database versions not stated): gnomAD exomes 0.00001.

Submissions (11):

PreventionGenetics, part of Exact Sciences
Classification: Pathogenic for SLC2A10-related condition. Last evaluated: 2026-06-25. Review status: criteria provided, single submitter. Criteria: ACMG Guidelines, 2015. Collection method: clinical testing. Allele origin: germline.
Comment: The SLC2A10 c.243C>G variant is predicted to result in the amino acid substitution p.Ser81Arg. This variant has been reported to be pathogenic for arterial tortuosity syndrome (Coucke et al. 2006. PubMed ID: 16550171; Rodriguez-Flores et al. 2014. PubMed ID: 24123366; Faiyaz-Ul-Haque et al. 2009. PubMed ID: 18774132; Okashah et al. 2022. PubMed ID: 36011280). This variant has not been reported in a large population database, indicating this variant is rare. This variant is interpreted as pathogenic.

Women's Health and Genetics/Laboratory Corporation of America, LabCorp
Classification: Pathogenic for Familial aortopathy. Last evaluated: 2026-01-20. Review status: criteria provided, single submitter. Criteria: LabCorp Variant Classification Summary - May 2015. Collection method: clinical testing. Allele origin: germline.
Comment: Variant summary: SLC2A10 c.243C>G (p.Ser81Arg) results in a non-conservative amino acid change in the encoded protein sequence. Algorithms developed to predict the effect of missense changes on protein structure and function all suggest that this variant is likely to be disruptive. The variant was absent in 251040 control chromosomes. c.243C>G has been observed in multiple individuals affected with Arterial tortuosity syndrome (Coucke_2006, Faiyaz-Ul-Haque_2008) and observed to segregate with disease. These data indicate that the variant is very likely to be associated with disease. To our knowledge, no experimental evidence demonstrating an impact on protein function has been reported. The following publications have been ascertained in the context of this evaluation (PMID: 16550171, 18565096). ClinVar contains an entry for this variant (Variation ID: 4588). Based on the evidence outlined above, the variant was classified as pathogenic.

GeneDx
Classification: Pathogenic. Last evaluated: 2025-12-18. Review status: criteria provided, single submitter. Criteria: GeneDx Variant Classification Process June 2021. Collection method: clinical testing. Allele origin: germline. Affected: yes.
Comment: In silico analysis supports that this missense variant has a deleterious effect on protein structure/function; Not observed at significant frequency in large population cohorts (gnomAD); This variant is associated with the following publications: (PMID: 31203799, 34426522, 16550171, 24123366, 25373504, 30090112, 18774132, 31625567, 35302653, 36011280, 36578839, 29323665, 36068917, 18565096, 39411402, 39857743, 40177118, 39504961)

Shaine Morris Lab, Baylor College of Medicine
Classification: Pathogenic for Arterial tortuosity syndrome. Last evaluated: 2025-03-05. Review status: criteria provided, single submitter. Criteria: ACMG Guidelines, 2015. Collection method: clinical testing. Allele origin: unknown. Inheritance: Autosomal recessive inheritance. Affected: yes. Observed: 1 homozygote.
Comment: We are submitting the c.243C>G variant in the SLC2A10 gene, located in exon 2, which results in the amino acid substitution p.Ser81Arg. This variant is suspected to alter protein function, and a REVEL score of 0.798 suggests a moderate to high likelihood of pathogenicity. The variant has been previously described in the literature (PMID 18774132, 36578839, 16550171) and classified as likely pathogenic or pathogenic in ClinVar. Based on our findings, we are submitting it again as pathogenic. Supporting Evidence for Classification: We assigned the following criteria to this variant: PP3: In silico predictions, REVEL score of 0.798, indicate that this missense variant is likely to have a damaging effect on the protein. PP5: The variant has been previously reported in multiple studies (PMID 18774132, 36578839, 16550171) and classified as likely pathogenic or pathogenic, contributing to the growing body of evidence supporting its association with ATS. These previous reports strengthen the classification of this variant as pathogenic. PM2: The variant is extremely rare in the general population, with a minor allele frequency (MAF) of 1.09E-05 in gnomAD and only 2 homozygous individuals reported. The low frequency of this variant, combined with its association with SLC2A10-related disease, further supports its pathogenicity. In conclusion, the c.243C>G (p.Ser81Arg) variant in SLC2A10 is classified as pathogenic. The combination of in silico predictions, clinical phenotype, and previous reports strongly supports the pathogenic role of this variant.

Genomic Medicine Center of Excellence, King Faisal Specialist Hospital and Research Centre
Classification: Pathogenic for Arterial tortuosity syndrome. Last evaluated: 2024-03-17. Review status: criteria provided, single submitter. Criteria: ACMG Guidelines, 2015. Collection method: research. Allele origin: germline.

Labcorp Genetics (formerly Invitae), Labcorp
Classification: Pathogenic for Arterial tortuosity syndrome. Last evaluated: 2023-02-16. Review status: criteria provided, single submitter. Criteria: Invitae Variant Classification Sherloc (09022015). Collection method: clinical testing. Allele origin: germline.
Comment: For these reasons, this variant has been classified as Pathogenic. Advanced modeling of protein sequence and biophysical properties (such as structural, functional, and spatial information, amino acid conservation, physicochemical variation, residue mobility, and thermodynamic stability) has been performed at Invitae for this missense variant, however the output from this modeling did not meet the statistical confidence thresholds required to predict the impact of this variant on SLC2A10 protein function. ClinVar contains an entry for this variant (Variation ID: 4588). This missense change has been observed in individual(s) with arterial tortuosity syndrome (PMID: 16550171, 18565096). It has also been observed to segregate with disease in related individuals. This variant is not present in population databases (gnomAD no frequency). This sequence change replaces serine, which is neutral and polar, with arginine, which is basic and polar, at codon 81 of the SLC2A10 protein (p.Ser81Arg).

Provincial Medical Genetics Program of British Columbia, University of British Columbia
Classification: Likely pathogenic for Arterial tortuosity syndrome. Last evaluated: 2022-01-01. Review status: criteria provided, single submitter. Criteria: ACMG Guidelines, 2015. Collection method: clinical testing. Allele origin: biparental. Affected: yes.

Baylor Genetics
Classification: Pathogenic for Arterial tortuosity syndrome. Last evaluated: 2020-06-15. Review status: criteria provided, single submitter. Criteria: ACMG Guidelines, 2015. Collection method: clinical testing. Allele origin: unknown. Affected: yes.
Comment: This variant was determined to be pathogenic according to ACMG Guidelines, 2015 [PMID:25741868].

Biochemical Molecular Genetic Laboratory, King Abdulaziz Medical City
Classification: Likely pathogenic for Arterial tortuosity syndrome. Last evaluated: 2019-09-26. Review status: no assertion criteria provided. Collection method: clinical testing. Allele origin: germline. Affected: yes. Not counted in ClinVar's aggregate classification.

OMIM
Classification: Pathogenic for ARTERIAL TORTUOSITY SYNDROME. Last evaluated: 2008-08-01. Review status: no assertion criteria provided. Collection method: literature only. Allele origin: germline. Not counted in ClinVar's aggregate classification.

GeneReviews
No classification provided. Condition: Arterial tortuosity syndrome. Review status: no classification provided. Collection method: literature only. Allele origin: germline. Affected: yes. Not counted in ClinVar's aggregate classification.

Literature cited by the submitters: PubMed 16550171 (cited by 5 submitters); PubMed 18565096 (cited by 4 submitters); PubMed 29323665 (cited by Shaine Morris Lab, Baylor College of Medicine); PubMed 18774132 (cited by Shaine Morris Lab, Baylor College of Medicine and GeneReviews); PubMed 36578839 (cited by Shaine Morris Lab, Baylor College of Medicine); PubMed 12801113 (cited by OMIM); NCBI Bookshelf NBK253404 (cited by GeneReviews).

NM_030777.4(SLC2A10):c.243C>G (p.Ser81Arg)

Gene: SLC2A10 (solute carrier family 2 member 10; plus strand). Cytogenetic location: 20q13.12.
Variant type: single nucleotide variant.
Coding change: c.243C>G on transcript NM_030777.4 (MANE Select); coding-DNA position 243, C replaced by G.
Protein change: p.Ser81Arg; replaces serine 81 with arginine.
Molecular consequence: missense variant.
Genome position (GRCh38, 1-based): chr20:46,725,279, C>G. VCF-style: chr20-46725279-C-G. GRCh37 (hg19) VCF-style: chr20-45353918-C-G.
Other names: short protein forms S81R.
Identifiers: ClinVar variation 4588 (VCV000004588.29), dbSNP rs80358230, ClinGen allele CA340266.